The following is an entry in ClinVar:

ClinVar aggregate classification (germline): Pathogenic (1 of 4 stars; one submission).

Conditions:
Primary ciliary dyskinesia 32. Also called: CILIARY DYSKINESIA, PRIMARY, 32, WITHOUT SITUS INVERSUS. Identifiers: Orphanet 244, MedGen C4225311, MONDO:0014657, OMIM 616481.

Allele frequency attached by ClinVar (database versions not stated): TOPMed 0.00001; gnomAD exomes below 0.00001.

Submission:

Labcorp Genetics (formerly Invitae), Labcorp
Classification: Pathogenic for Primary ciliary dyskinesia 32. Last evaluated: 2017-10-02. Review status: criteria provided, single submitter. Criteria: Invitae Variant Classification Sherloc (09022015). Collection method: clinical testing. Allele origin: germline.
Comment: This variant is not present in population databases (ExAC no frequency). This variant has not been reported in the literature in individuals with RSPH3-related disease. Loss-of-function variants in RSPH3 are known to be pathogenic (PMID: 26073779). For these reasons, this variant has been classified as Pathogenic. This sequence change creates a premature translational stop signal (p.Arg371*) in the RSPH3 gene. It is expected to result in an absent or disrupted protein product.

Literature cited by the submitters: PubMed 26073779.

NM_031924.8(RSPH3):c.685C>T (p.Arg229Ter)

Gene: RSPH3 (radial spoke head 3; minus strand). Cytogenetic location: 6q25.3.
Variant type: single nucleotide variant.
Coding change: c.685C>T on transcript NM_031924.8 (MANE Select); coding-DNA position 685, C replaced by T.
Protein change: p.Arg229Ter; replaces arginine 229 with a stop codon.
Molecular consequence: nonsense. On other transcripts: non-coding transcript variant (1).
Genome position (GRCh38, 1-based): chr6:158,982,496, G>A on the plus strand (C>T on the coding strand, the complement: RSPH3 is on the minus strand). VCF-style: chr6-158982496-G-A. GRCh37 (hg19) VCF-style: chr6-159403528-G-A.
Other names: c.823C>T, p.Arg275Ter (NM_001346418.1); short protein forms R275*, R229*.
Identifiers: ClinVar variation 570047 (VCV000570047.6), dbSNP rs1158185476, ClinGen allele CA366280353.